The following is an entry in ClinVar:

NM_000138.5(FBN1):c.1875T>C (p.Asn625=)

Gene: FBN1 (fibrillin 1; minus strand). Cytogenetic location: 15q21.1.
Variant type: single nucleotide variant.
Coding change: c.1875T>C on transcript NM_000138.5 (MANE Select); coding-DNA position 1875, T replaced by C.
Protein change: p.Asn625=; no amino-acid change (asparagine 625 retained).
Molecular consequence: synonymous variant.
Genome position (GRCh38, 1-based): chr15:48,505,110, A>G on the plus strand (T>C on the coding strand, the complement: FBN1 is on the minus strand). VCF-style: chr15-48505110-A-G. GRCh37 (hg19) VCF-style: chr15-48797307-A-G.
Other names: p.N625N:AAT>AAC; p.Asn625=.
Identifiers: ClinVar variation 42297 (VCV000042297.51), dbSNP rs25458, ClinGen allele CA012629.
Genomic context (GRCh38, chr15:48,505,110, plus strand): 5'-CACAGCCAGTCCAGGGAAGCATTCACATCTGTAGGAGCCATCAGTGTTGACGCAACGCCC[A>G]TTCATGCAGATCCCAGGGGTTTCACACTCGTTAATGTCTGTGGCAGAGAAAGGCACTTAT-3'
Protein context (NP_000129.3, residues 615-635): NECETPGICM[Asn625=]GRCVNTDGSY

ClinVar aggregate classification (germline): Benign. Review status: criteria provided, multiple submitters, no conflicts (2 of 4 stars). 24 submissions from 18 submitters: Benign (21). 3 of the submissions do not count toward it. Last evaluated 2026-02-04.

Conditions:
Geleophysic dysplasia. Identifiers: Orphanet 2623, MedGen C3489726, MONDO:0000127.
Connective tissue disorder. Also called: Connective tissue disease. Identifiers: MedGen C0009782, MONDO:0003900.
Weill-Marchesani syndrome. Also called: WM Syndrome; Mesodermal dysmorphodystrophy congenital. Identifiers: Orphanet 3449, MedGen C0265313, MONDO:0018096.
Marfan syndrome (MFS). Also called: FBN1-Related Marfan Syndrome; Marfan syndrome, classic; MARFAN SYNDROME, TYPE I; Marfan syndrome type 1; Marfan's syndrome. Identifiers: Orphanet 284963, Orphanet 558, MedGen C0024796, MONDO:0007947, OMIM 154700.
Familial thoracic aortic aneurysm and aortic dissection (TAAD). Also called: Thoracic aortic aneurysms and dissections. Identifiers: Orphanet 91387, MedGen C4707243, MONDO:0019625.
Acromicric dysplasia (ACMICD). Also called: Acromicric skeletal dysplasia. Identifiers: Orphanet 969, MedGen C0265287, MONDO:0007055, OMIM 102370.
Ectopia lentis 1, isolated, autosomal dominant (ECTOL1). Identifiers: Orphanet 1885, MedGen C3541518, MONDO:0007514, OMIM 129600.
Stiff skin syndrome (SSKS). Identifiers: Orphanet 2833, MedGen C1861456, MONDO:0008492, OMIM 184900.

Allele frequency attached by ClinVar (database versions not stated): gnomAD exomes 0.16591 and 0.19250; ExAC 0.20058; gnomAD 0.24641 and 0.25074; TOPMed 0.25727; 1000 Genomes Project 0.29692; 1000 Genomes Project 30x 0.30200; ESP Exome Variant Server 0.24442.
gnomAD v4.1: 280,609 of 1,613,906 alleles (17%); highest among the groups gnomAD compares: African/African-American, 46%; 29,979 homozygotes.

Submissions (24):

Labcorp Genetics (formerly Invitae), Labcorp
Classification: Benign for Marfan syndrome; Familial thoracic aortic aneurysm and aortic dissection. Last evaluated: 2026-02-04. Review status: criteria provided, single submitter. Criteria: Invitae Variant Classification Sherloc (09022015). Collection method: clinical testing. Allele origin: germline.

ARUP Laboratories, Molecular Genetics and Genomics, ARUP Laboratories
Classification: Benign. Last evaluated: 2025-07-31. Review status: criteria provided, single submitter. Criteria: ARUP Molecular Germline Variant Investigation Process 2024. Collection method: clinical testing. Allele origin: germline.

Molecular Diagnostic Laboratory for Inherited Cardiovascular Disease, Montreal Heart Institute
Classification: Benign. Last evaluated: 2025-04-09. Review status: criteria provided, single submitter. Criteria: ACMG Guidelines, 2015. Collection method: clinical testing. Allele origin: germline. Affected: no.

Blueprint Genetics
Classification: Benign. Last evaluated: 2024-11-27. Review status: criteria provided, single submitter. Criteria: ACMG Guidelines, 2015. Collection method: clinical testing. Allele origin: germline.

Unidad de Genómica Garrahan, Hospital de Pediatría Garrahan
Classification: Benign. Last evaluated: 2024-01-24. Review status: criteria provided, single submitter. Criteria: ACMG Guidelines, 2015. Collection method: clinical testing. Allele origin: germline. Affected: no. Observed: 26 variant alleles.
Comment: This variant is classified as Benign based on local population frequency. This variant was detected in 30% of patients studied by a panel of primary immunodeficiencies. Number of patients: 26. Only high quality variants are reported.

Genome Diagnostics Laboratory, The Hospital for Sick Children
Classification: Benign for Connective tissue disorder. Last evaluated: 2022-07-14. Review status: criteria provided, single submitter. Criteria: ACMG Guidelines, 2015. Collection method: clinical testing. Allele origin: germline.

Color Diagnostics, LLC DBA Color Health
Classification: Benign for Familial thoracic aortic aneurysm and aortic dissection. Last evaluated: 2018-03-16. Review status: criteria provided, single submitter. Criteria: ACMG Guidelines, 2015. Collection method: clinical testing. Allele origin: germline.

Illumina Laboratory Services, Illumina
Classification: Benign for Weill-Marchesani syndrome. Last evaluated: 2018-01-15. Review status: criteria provided, single submitter. Criteria: ICSL Variant Classification Criteria 13 December 2019. Collection method: clinical testing. Allele origin: germline.
Comment: This variant was observed as part of a predisposition screen in an ostensibly healthy population. A literature search was performed for the gene, cDNA change, and amino acid change (where applicable). No publications were found based on this search. Allele frequency data from public databases was too high to be consistent with this variant causing disease. Therefore, this variant is classified as benign.

Illumina Laboratory Services, Illumina
Classification: Benign for Marfan syndrome. Last evaluated: 2017-04-27. Review status: criteria provided, single submitter. Criteria: ICSL Variant Classification Criteria 13 December 2019. Collection method: clinical testing. Allele origin: germline.
Comment: the same text as in the submission from Illumina Laboratory Services, Illumina above.

Illumina Laboratory Services, Illumina
Classification: Benign for Stiff skin syndrome. Last evaluated: 2017-04-27. Review status: criteria provided, single submitter. Criteria: ICSL Variant Classification Criteria 13 December 2019. Collection method: clinical testing. Allele origin: germline.
Comment: the same text as in the submission from Illumina Laboratory Services, Illumina above.

Illumina Laboratory Services, Illumina
Classification: Benign for Ectopia lentis 1, isolated, autosomal dominant. Last evaluated: 2017-04-27. Review status: criteria provided, single submitter. Criteria: ICSL Variant Classification Criteria 13 December 2019. Collection method: clinical testing. Allele origin: germline.
Comment: the same text as in the submission from Illumina Laboratory Services, Illumina above.

Illumina Laboratory Services, Illumina
Classification: Benign for Familial thoracic aortic aneurysm and aortic dissection. Last evaluated: 2017-04-27. Review status: criteria provided, single submitter. Criteria: ICSL Variant Classification Criteria 13 December 2019. Collection method: clinical testing. Allele origin: germline.
Comment: the same text as in the submission from Illumina Laboratory Services, Illumina above.

Illumina Laboratory Services, Illumina
Classification: Benign for Geleophysic dysplasia. Last evaluated: 2017-04-27. Review status: criteria provided, single submitter. Criteria: ICSL Variant Classification Criteria 13 December 2019. Collection method: clinical testing. Allele origin: germline.
Comment: the same text as in the submission from Illumina Laboratory Services, Illumina above.

Illumina Laboratory Services, Illumina
Classification: Benign for Acromicric dysplasia. Last evaluated: 2017-04-27. Review status: criteria provided, single submitter. Criteria: ICSL Variant Classification Criteria 13 December 2019. Collection method: clinical testing. Allele origin: germline.
Comment: the same text as in the submission from Illumina Laboratory Services, Illumina above.

Eurofins Ntd Llc (ga)
Classification: Benign. Last evaluated: 2014-11-28. Review status: criteria provided, single submitter. Criteria: EGL Classification Definitions 2015. Collection method: clinical testing. Allele origin: germline. Observed: 3 variant alleles, 3 heterozygotes.

Ambry Genetics
Classification: Benign for Familial thoracic aortic aneurysm and aortic dissection. Last evaluated: 2014-11-24. Review status: criteria provided, single submitter. Criteria: Ambry Variant Classification Scheme 2023. Collection method: clinical testing. Allele origin: germline.

Mayo Clinic Laboratories, Mayo Clinic
Classification: Benign. Last evaluated: 2014-01-07. Review status: criteria provided, single submitter. Criteria: ACMG Guidelines, 2015. Collection method: clinical testing. Allele origin: germline. Observed: 617 variant alleles.

GeneDx
Classification: Benign. Last evaluated: 2012-11-13. Review status: criteria provided, single submitter. Criteria: GeneDx Variant Classification (06012015). Collection method: clinical testing. Allele origin: germline. Affected: yes.
Comment: This variant is considered likely benign or benign based on one or more of the following criteria: it is a conservative change, it occurs at a poorly conserved position in the protein, it is predicted to be benign by multiple in silico algorithms, and/or has population frequency not consistent with disease.

Laboratory for Molecular Medicine, Mass General Brigham Personalized Medicine
Classification: Benign. Last evaluated: 2007-04-24. Review status: criteria provided, single submitter. Criteria: LMM Criteria. Collection method: clinical testing. Allele origin: germline. Observed: 244 variant alleles.

Breakthrough Genomics
Classification: Benign. Review status: criteria provided, single submitter. Criteria: ACMG Guidelines, 2015. Collection method: not provided. Allele origin: germline. Inheritance: Autosomal dominant inheritance. Affected: yes.

PreventionGenetics, part of Exact Sciences
Classification: Benign. Review status: criteria provided, single submitter. Criteria: ACMG Guidelines, 2015. Collection method: clinical testing. Allele origin: germline.

Cohesion Phenomics
Classification: Benign for Marfan syndrome. Last evaluated: 2022-09-23. Review status: no assertion criteria provided. Criteria: ACMG Guidelines, 2015. Collection method: clinical testing. Allele origin: germline. Affected: yes. Not counted in ClinVar's aggregate classification.

Clinical Genetics DNA and cytogenetics Diagnostics Lab, Erasmus MC, Erasmus Medical Center
Classification: Benign. Review status: no assertion criteria provided. Collection method: clinical testing. Allele origin: germline. Affected: yes. Study: VKGL Data-share Consensus. Not counted in ClinVar's aggregate classification.

Genome Diagnostics Laboratory, Amsterdam University Medical Center
Classification: Benign. Review status: no assertion criteria provided. Collection method: clinical testing. Allele origin: germline. Affected: yes. Study: VKGL Data-share Consensus. Not counted in ClinVar's aggregate classification.